The following is an entry in ClinVar:

ClinVar aggregate classification (germline): Uncertain significance (1 of 4 stars; one submission).

Conditions:
Congenital disorder of deglycosylation (CDDG). Identifiers: MedGen C3808991, MONDO:0031376.

Allele frequency attached by ClinVar (database versions not stated): gnomAD exomes below 0.00001 and 0.00001.
gnomAD v4.1: 6 of 1,540,630 alleles (0.00039%); highest among the groups gnomAD compares: Admixed American, 0.002%; no homozygotes.

Submission:

Labcorp Genetics (formerly Invitae), Labcorp
Classification: Uncertain significance for Congenital disorder of deglycosylation. Last evaluated: 2021-08-24. Review status: criteria provided, single submitter. Criteria: Invitae Variant Classification Sherloc (09022015). Collection method: clinical testing. Allele origin: germline.
Comment: This sequence change replaces alanine with valine at codon 4 of the NGLY1 protein (p.Ala4Val). The alanine residue is weakly conserved and there is a small physicochemical difference between alanine and valine. The frequency data for this variant in the population databases is considered unreliable, as metrics indicate insufficient coverage at this position in the ExAC database. This variant has not been reported in the literature in individuals affected with NGLY1-related conditions. Algorithms developed to predict the effect of missense changes on protein structure and function are either unavailable or do not agree on the potential impact of this missense change (SIFT: "Tolerated"; PolyPhen-2: "Not Available"; Align-GVGD: "Class C0"). In summary, the available evidence is currently insufficient to determine the role of this variant in disease. Therefore, it has been classified as a Variant of Uncertain Significance.

NM_018297.4(NGLY1):c.11C>T (p.Ala4Val)

Gene: NGLY1 (N-glycanase 1; minus strand). Cytogenetic location: 3p24.2.
Variant type: single nucleotide variant.
Coding change: c.11C>T on transcript NM_018297.4 (MANE Select); coding-DNA position 11, C replaced by T.
Protein change: p.Ala4Val; replaces alanine 4 with valine.
Molecular consequence: missense variant. On other transcripts: intron variant (1).
Genome position (GRCh38, 1-based): chr3:25,783,380, G>A on the plus strand (C>T on the coding strand, the complement: NGLY1 is on the minus strand). VCF-style: chr3-25783380-G-A. GRCh37 (hg19) VCF-style: chr3-25824871-G-A.
Other names: c.11C>T, p.Ala4Val (NM_001145293.2, NM_001145295.2); c.6-4692C>T (NM_001145294.2); short protein forms A4V.
Identifiers: ClinVar variation 1515065 (VCV001515065.3), dbSNP rs1169138947, ClinGen allele CA351911420.